The following is an entry in ClinVar:

ClinVar aggregate classification (germline): Likely benign (1 of 4 stars; one submission).

Submission:

GeneDx
Classification: Likely benign. Last evaluated: 2017-12-22. Review status: criteria provided, single submitter. Criteria: GeneDx Variant Classification (06012015). Collection method: clinical testing. Allele origin: germline. Affected: yes.
Comment: This variant is considered likely benign or benign based on one or more of the following criteria: it is a conservative change, it occurs at a poorly conserved position in the protein, it is predicted to be benign by multiple in silico algorithms, and/or has population frequency not consistent with disease.

NM_001184.4(ATR):c.5288+13A>C

Gene: ATR (ATR serine/threonine kinase; minus strand). Cytogenetic location: 3q23.
Variant type: single nucleotide variant.
Coding change: c.5288+13A>C on transcript NM_001184.4 (MANE Select); 13 bases into the intron after coding-DNA position 5288, A replaced by C.
Molecular consequence: intron variant.
Genome position (GRCh38, 1-based): chr3:142,503,349, T>G on the plus strand (A>C on the coding strand, the complement: ATR is on the minus strand). VCF-style: chr3-142503349-T-G. GRCh37 (hg19) VCF-style: chr3-142222191-T-G.
Other names: c.5096+13A>C (NM_001354579.2).
Identifiers: ClinVar variation 514181 (VCV000514181.1), dbSNP rs1553760235, ClinGen allele CA658796387.